The following is an entry in ClinVar:

NM_005251.3(FOXC2):c.1323G>A (p.Ala441=)

Gene: FOXC2 (forkhead box C2; plus strand). Cytogenetic location: 16q24.1.
Variant type: single nucleotide variant.
Coding change: c.1323G>A on transcript NM_005251.3 (MANE Select); coding-DNA position 1323, G replaced by A.
Protein change: p.Ala441=; no amino-acid change (alanine 441 retained).
Molecular consequence: synonymous variant.
Genome position (GRCh38, 1-based): chr16:86,568,658, G>A. VCF-style: chr16-86568658-G-A. GRCh37 (hg19) VCF-style: chr16-86602264-G-A.
Identifiers: ClinVar variation 3714445 (VCV003714445.2).

ClinVar aggregate classification (germline): Uncertain significance (1 of 4 stars; one submission).

Submission:

Labcorp Genetics (formerly Invitae), Labcorp
Classification: Uncertain significance. Last evaluated: 2024-04-10. Review status: criteria provided, single submitter. Criteria: Invitae Variant Classification Sherloc (09022015). Collection method: clinical testing. Allele origin: germline.
Comment: This sequence change affects codon 441 of the FOXC2 mRNA. It is a 'silent' change, meaning that it does not change the encoded amino acid sequence of the FOXC2 protein. The frequency data for this variant in the population databases is considered unreliable, as metrics indicate poor data quality at this position in the gnomAD database. This variant has not been reported in the literature in individuals affected with FOXC2-related conditions. In summary, the available evidence is currently insufficient to determine the role of this variant in disease. Therefore, it has been classified as a Variant of Uncertain Significance.